The following is an entry in ClinVar:

NM_058216.3(RAD51C):c.796G>A (p.Ala266Thr)

Gene: RAD51C (RAD51 paralog C; plus strand). Cytogenetic location: 17q22.
Variant type: single nucleotide variant.
Coding change: c.796G>A on transcript NM_058216.3 (MANE Select); coding-DNA position 796, G replaced by A.
Protein change: p.Ala266Thr; replaces alanine 266 with threonine.
Molecular consequence: missense variant. On other transcripts: non-coding transcript variant (1).
Genome position (GRCh38, 1-based): chr17:58,709,949, G>A. VCF-style: chr17-58709949-G-A. GRCh37 (hg19) VCF-style: chr17-56787310-G-A.
Other names: short protein forms A266T.
Identifiers: ClinVar variation 3657235 (VCV003657235.2).

ClinVar aggregate classification (germline): Uncertain significance (1 of 4 stars; one submission).

Conditions:
Fanconi anemia complementation group O. Also called: RAD51C-Related Fanconi Anemia. Identifiers: Orphanet 84, MedGen C3150653, MONDO:0013248, OMIM 613390.

Submission:

Labcorp Genetics (formerly Invitae), Labcorp
Classification: Uncertain significance for Fanconi anemia complementation group O. Last evaluated: 2024-06-21. Review status: criteria provided, single submitter. Criteria: Invitae Variant Classification Sherloc (09022015). Collection method: clinical testing. Allele origin: germline.
Comment: This sequence change replaces alanine, which is neutral and non-polar, with threonine, which is neutral and polar, at codon 266 of the RAD51C protein (p.Ala266Thr). This variant is not present in population databases (gnomAD no frequency). This variant has not been reported in the literature in individuals affected with RAD51C-related conditions. Advanced modeling of protein sequence and biophysical properties (such as structural, functional, and spatial information, amino acid conservation, physicochemical variation, residue mobility, and thermodynamic stability) performed at Invitae indicates that this missense variant is not expected to disrupt RAD51C protein function with a negative predictive value of 80%. In summary, the available evidence is currently insufficient to determine the role of this variant in disease. Therefore, it has been classified as a Variant of Uncertain Significance.